The following is an entry in ClinVar:

ClinVar aggregate classification (germline): Likely pathogenic (1 of 4 stars; one submission).

Conditions:
Alagille syndrome due to a JAG1 point mutation. Also called: Alagille Syndrome 1; HEPATIC DUCTULAR HYPOPLASIA, SYNDROMATIC; JAG1-Related Alagille Syndrome. Identifiers: Orphanet 261619, Orphanet 52, MedGen C1956125, MONDO:0016862, OMIM 118450.

Submission:

Labcorp Genetics (formerly Invitae), Labcorp
Classification: Likely pathogenic for Alagille syndrome due to a JAG1 point mutation. Last evaluated: 2022-12-17. Review status: criteria provided, single submitter. Criteria: Invitae Variant Classification Sherloc (09022015). Collection method: clinical testing. Allele origin: germline.
Comment: This sequence change affects an acceptor splice site in intron 11 of the JAG1 gene. It is expected to disrupt RNA splicing. Variants that disrupt the donor or acceptor splice site typically lead to a loss of protein function (PMID: 16199547), and loss-of-function variants in JAG1 are known to be pathogenic (PMID: 11180599). In summary, the currently available evidence indicates that the variant is pathogenic, but additional data are needed to prove that conclusively. Therefore, this variant has been classified as Likely Pathogenic. Algorithms developed to predict the effect of sequence changes on RNA splicing suggest that this variant may disrupt the consensus splice site. This variant has not been reported in the literature in individuals affected with JAG1-related conditions. This variant is not present in population databases (gnomAD no frequency).

Literature cited by the submitters: PubMed 16199547; PubMed 11180599.

NM_000214.3(JAG1):c.1396-1G>A

Gene: JAG1 (jagged canonical Notch ligand 1; minus strand). Cytogenetic location: 20p12.2.
Variant type: single nucleotide variant.
Coding change: c.1396-1G>A on transcript NM_000214.3 (MANE Select); the canonical splice acceptor site of the intron before coding-DNA position 1396, G replaced by A.
Molecular consequence: splice acceptor variant.
Genome position (GRCh38, 1-based): chr20:10,648,723, C>T on the plus strand (G>A on the coding strand, the complement: JAG1 is on the minus strand). VCF-style: chr20-10648723-C-T. GRCh37 (hg19) VCF-style: chr20-10629371-C-T.
Identifiers: ClinVar variation 2821734 (VCV002821734.3), dbSNP rs2514517345, ClinGen allele CA408237952.